The following is an entry in ClinVar:

NC_000016.9:g.(?_23614482)_(23619334_23625324)del

Gene: PALB2 (partner and localizer of BRCA2; minus strand). Cytogenetic location: 16p12.2.
Variant type: Deletion.
Identifiers: ClinVar variation 1705243 (VCV001705243.1).

ClinVar aggregate classification (germline): Pathogenic (1 of 4 stars; one submission).

Conditions:
Malignant tumor of breast. Also called: Malignant breast neoplasm; Cancer breast. Identifiers: MedGen C0006142, MONDO:0007254. Disease mechanism: loss of function.

Submission:

Women's Health and Genetics/Laboratory Corporation of America, LabCorp
Classification: Pathogenic for Malignant tumor of breast. Last evaluated: 2022-08-03. Review status: criteria provided, single submitter. Criteria: LabCorp Variant Classification Summary - May 2015. Collection method: clinical testing. Allele origin: germline.
Comment: Variant summary: The variant identified by MLPA or other technology involves the deletion of exons 12-13 in the PALB2 gene. A presumed nomenclature of c.(3201+1_3202-1)_(*298_?)del has been designated for the purposes of this classification. Although exact breakpoints of this deletion are not known, it is expected to result in a large deletion including stop codon in the PALB2 gene, a known mechanism of disease. The variant was absent in 21694 control chromosomes. c.(3201+1_3202-1)_(*298_?)del has been reported in the literature in individuals affected with Breast Cancer. These data indicate that the variant is likely to be associated with disease. One clinical diagnostic laboratory has submitted clinical-significance assessments for this variant to ClinVar after 2014 without evidence for independent evaluation and classified the variant as pathogenic. Based on the evidence outlined above, the variant was classified as pathogenic.

Literature cited by the submitters: PubMed 19635604; PubMed 25186627; PubMed 29470806.